The following is an entry in ClinVar:

ClinVar aggregate classification (germline): Likely benign. Review status: criteria provided, single submitter (1 of 4 stars). 2 submissions from 2 submitters: Likely benign (1). 1 of the submissions does not count toward it. Last evaluated 2025-12-29.

Conditions:
FBN3-related disorder. Also called: FBN3-related condition.

Allele frequency attached by ClinVar (database versions not stated): ExAC 0.00024; 1000 Genomes Project 0.00060; 1000 Genomes Project 30x 0.00078; gnomAD 0.00100; TOPMed 0.00102; ESP Exome Variant Server 0.00131.
gnomAD v4.1: 267 of 1,613,568 alleles (0.017%); highest among the groups gnomAD compares: African/African-American, 0.32%; no homozygotes.

Submissions (2):

Labcorp Genetics (formerly Invitae), Labcorp
Classification: Likely benign. Last evaluated: 2025-12-29. Review status: criteria provided, single submitter. Criteria: Invitae Variant Classification Sherloc (09022015). Collection method: clinical testing. Allele origin: germline.

PreventionGenetics, part of Exact Sciences
Classification: Likely benign for FBN3-related condition. Last evaluated: 2022-07-06. Review status: no assertion criteria provided. Collection method: clinical testing. Allele origin: germline. Not counted in ClinVar's aggregate classification.
Comment: This variant is classified as likely benign based on ACMG/AMP sequence variant interpretation guidelines (Richards et al. 2015 PMID: 25741868, with internal and published modifications).

NM_032447.5(FBN3):c.4175G>C (p.Gly1392Ala)

Gene: FBN3 (fibrillin 3; minus strand). Cytogenetic location: 19p13.2.
Variant type: single nucleotide variant.
Coding change: c.4175G>C on transcript NM_032447.5 (MANE Select); coding-DNA position 4175, G replaced by C.
Protein change: p.Gly1392Ala; replaces glycine 1392 with alanine.
Molecular consequence: missense variant.
Genome position (GRCh38, 1-based): chr19:8,111,093, C>G on the plus strand (G>C on the coding strand, the complement: FBN3 is on the minus strand). VCF-style: chr19-8111093-C-G. GRCh37 (hg19) VCF-style: chr19-8175977-C-G.
Other names: c.4175G>C, p.Gly1392Ala (NM_001321431.2); c.4175G>C (NM_001321431.1); short protein forms G1392A.
Identifiers: ClinVar variation 2045650 (VCV002045650.6), dbSNP rs145427911, ClinGen allele CA9152156.
Genomic context (GRCh38, chr19:8,111,093, plus strand): 5'-TCTGCCCTGGCGGGCCCAACCTTACCCTGGCAGGCCCGGTGGTCCTCGGTGGGGTCAAAG[C>G]CCATCTCACATTCACAGCGGTACCCGCCGGGCGCATTGAGGCACTGCCCGTTGTCACAGA-3'
Protein context (NP_115823.3, residues 1382-1402): PGGYRCECEM[Gly1392Ala]FDPTEDHRAC